The following is an entry in ClinVar:

NM_000078.3(CETP):c.1183A>G (p.Lys395Glu)

Gene: CETP (cholesteryl ester transfer protein; plus strand). Cytogenetic location: 16q13.
Variant type: single nucleotide variant.
Coding change: c.1183A>G on transcript NM_000078.3 (MANE Select); coding-DNA position 1183, A replaced by G.
Protein change: p.Lys395Glu; replaces lysine 395 with glutamic acid.
Molecular consequence: missense variant.
Genome position (GRCh38, 1-based): chr16:56,981,194, A>G. VCF-style: chr16-56981194-A-G. GRCh37 (hg19) VCF-style: chr16-57015106-A-G.
Other names: c.1003A>G, p.Lys335Glu (NM_001286085.2); c.1183A>G (NM_000078.2); short protein forms K335E, K395E.
Identifiers: ClinVar variation 2968897 (VCV002968897.4), dbSNP rs375325271, ClinGen allele CA8071262.

ClinVar aggregate classification (germline): Uncertain significance. Review status: criteria provided, multiple submitters, no conflicts (2 of 4 stars). 2 submissions from 2 submitters: Uncertain significance (2). Last evaluated 2025-09-27.

Allele frequency attached by ClinVar (database versions not stated): gnomAD 0.00003; TOPMed 0.00003; ExAC 0.00004; ESP Exome Variant Server 0.00008; gnomAD exomes 0.00008.

Submissions (2):

Ambry Genetics
Classification: Uncertain significance. Last evaluated: 2025-09-27. Review status: criteria provided, single submitter. Criteria: Ambry Variant Classification Scheme 2023. Collection method: clinical testing. Allele origin: germline.

Labcorp Genetics (formerly Invitae), Labcorp
Classification: Uncertain significance. Last evaluated: 2024-12-27. Review status: criteria provided, single submitter. Criteria: Invitae Variant Classification Sherloc (09022015). Collection method: clinical testing. Allele origin: germline.
Comment: This sequence change replaces lysine, which is basic and polar, with glutamic acid, which is acidic and polar, at codon 395 of the CETP protein (p.Lys395Glu). This variant is present in population databases (rs375325271, gnomAD 0.01%). This variant has not been reported in the literature in individuals affected with CETP-related conditions. ClinVar contains an entry for this variant (Variation ID: 2968897). Invitae Evidence Modeling of protein sequence and biophysical properties (such as structural, functional, and spatial information, amino acid conservation, physicochemical variation, residue mobility, and thermodynamic stability) indicates that this missense variant is expected to disrupt CETP protein function with a positive predictive value of 80%. In summary, the available evidence is currently insufficient to determine the role of this variant in disease. Therefore, it has been classified as a Variant of Uncertain Significance.